The following is an entry in ClinVar:

ClinVar aggregate classification (germline): Uncertain significance (1 of 4 stars; one submission).

Conditions:
Combined deficiency of sialidase AND beta galactosidase (GSL). Also called: GOLDBERG SYNDROME; NEURAMINIDASE DEFICIENCY WITH BETA-GALACTOSIDASE DEFICIENCY; NEURAMINIDASE/BETA-GALACTOSIDASE EXPRESSION; PPCA DEFICIENCY; PROTECTIVE PROTEIN/CATHEPSIN A DEFICIENCY; Galactosialidosis. Identifiers: Orphanet 351, MedGen C0268233, MONDO:0009737, OMIM 256540.

Allele frequency attached by ClinVar (database versions not stated): gnomAD exomes below 0.00001.

Submission:

Labcorp Genetics (formerly Invitae), Labcorp
Classification: Uncertain significance for Combined deficiency of sialidase AND beta galactosidase. Last evaluated: 2022-01-27. Review status: criteria provided, single submitter. Criteria: Invitae Variant Classification Sherloc (09022015). Collection method: clinical testing. Allele origin: germline.
Comment: In summary, the available evidence is currently insufficient to determine the role of this variant in disease. Therefore, it has been classified as a Variant of Uncertain Significance. Algorithms developed to predict the effect of missense changes on protein structure and function output the following: SIFT: "Not Available"; PolyPhen-2: "Benign"; Align-GVGD: "Not Available". The valine amino acid residue is found in multiple mammalian species, which suggests that this missense change does not adversely affect protein function. This variant has not been reported in the literature in individuals affected with CTSA-related conditions. This variant is not present in population databases (gnomAD no frequency). This sequence change replaces alanine, which is neutral and non-polar, with valine, which is neutral and non-polar, at codon 161 of the CTSA protein (p.Ala161Val).

NM_000308.4(CTSA):c.428C>T (p.Ala143Val)

Gene: CTSA (cathepsin A; plus strand). Cytogenetic location: 20q13.12.
Variant type: single nucleotide variant.
Coding change: c.428C>T on transcript NM_000308.4 (MANE Select); coding-DNA position 428, C replaced by T.
Protein change: p.Ala143Val; replaces alanine 143 with valine.
Molecular consequence: missense variant. On other transcripts: non-coding transcript variant (1).
Genome position (GRCh38, 1-based): chr20:45,892,468, C>T. VCF-style: chr20-45892468-C-T. GRCh37 (hg19) VCF-style: chr20-44521107-C-T.
Other names: c.428C>T, p.Ala143Val (NM_001127695.3); c.377C>T, p.Ala126Val (NM_001167594.3); short protein forms A126V, A143V.
Identifiers: ClinVar variation 2090167 (VCV002090167.4), dbSNP rs11538054, ClinGen allele CA315660148.